The following is an entry in ClinVar:

ClinVar aggregate classification (germline): Uncertain significance. Review status: criteria provided, multiple submitters, no conflicts (2 of 4 stars). 2 submissions from 2 submitters: Uncertain significance (2). Last evaluated 2021-06-17.

Conditions:
Familial thoracic aortic aneurysm and aortic dissection (TAAD). Also called: Thoracic aortic aneurysms and dissections. Identifiers: Orphanet 91387, MedGen C4707243, MONDO:0019625.

Submissions (3):

Labcorp Genetics (formerly Invitae), Labcorp
Classification: Uncertain significance for Familial thoracic aortic aneurysm and aortic dissection. Last evaluated: 2021-06-17. Review status: criteria provided, single submitter. Criteria: Invitae Variant Classification Sherloc (09022015). Collection method: clinical testing. Allele origin: germline.
Comment: In summary, the available evidence is currently insufficient to determine the role of this variant in disease. Therefore, it has been classified as a Variant of Uncertain Significance. Algorithms developed to predict the effect of sequence changes on RNA splicing suggest that this variant may create or strengthen a splice site, but this prediction has not been confirmed by published transcriptional studies. Algorithms developed to predict the effect of missense changes on protein structure and function (SIFT, PolyPhen-2, Align-GVGD) all suggest that this variant is likely to be tolerated, but these predictions have not been confirmed by published functional studies and their clinical significance is uncertain. This variant has not been reported in the literature in individuals with TGFBR1-related conditions. ClinVar contains an entry for this variant (Variation ID: 926107). This variant is not present in population databases (ExAC no frequency). This sequence change replaces lysine with glutamic acid at codon 116 of the TGFBR1 protein (p.Lys116Glu). The lysine residue is weakly conserved and there is a small physicochemical difference between lysine and glutamic acid.

Color Diagnostics, LLC DBA Color Health
Classification: Uncertain significance for Familial thoracic aortic aneurysm and aortic dissection. Last evaluated: 2019-02-04. Review status: criteria provided, single submitter. Criteria: ACMG Guidelines, 2015. Collection method: clinical testing. Allele origin: germline.
Comment: Variant of Uncertain Significance due to insufficient evidence: This missense variant replaces lysine with glutamic acid at codon 116 of the TGFBR1 protein. Computational prediction tools and conservation analyses are inconclusive regarding the impact of this variant on the protein function. Computational splicing tools suggest that this variant may not impact RNA splicing. To our knowledge, functional assays have not been performed for this variant nor has this variant been reported in individuals affected with cardiovascular disorders in the literature. This variant is rare in the general population and has been identified in 0/277264 chromosomes by the Genome Aggregation Database (gnomAD). Available evidence is insufficient to determine the role of this variant in disease conclusively.

Dr. Peter K. Rogan Lab, Western University
No classification provided (evidence only). Condition: Ovarian serous cystadenocarcinoma. Review status: no classification provided. Collection method: in vitro. Allele origin: not applicable. Functional consequence: retained intron. Not counted in ClinVar's aggregate classification.

NM_004612.4(TGFBR1):c.346A>G (p.Lys116Glu)

Gene: TGFBR1 (transforming growth factor beta receptor 1; plus strand). Cytogenetic location: 9q22.33.
Variant type: single nucleotide variant.
Coding change: c.346A>G on transcript NM_004612.4 (MANE Select); coding-DNA position 346, A replaced by G.
Protein change: p.Lys116Glu; replaces lysine 116 with glutamic acid.
Molecular consequence: missense variant. On other transcripts: intron variant (1).
Genome position (GRCh38, 1-based): chr9:99,132,511, A>G. VCF-style: chr9-99132511-A-G. GRCh37 (hg19) VCF-style: chr9-101894793-A-G.
Other names: c.358A>G, p.Lys120Glu (NM_001306210.2); c.343+3411A>G (NM_001130916.3); short protein forms K120E, K116E.
Identifiers: ClinVar variation 926107 (VCV000926107.12), dbSNP rs1827266142, ClinGen allele CA374227722.